The following is an entry in ClinVar:

NM_007078.2(LDB3):c.-282G>T

Gene: LDB3 (LIM domain binding 3; plus strand). Cytogenetic location: 10q23.2.
Variant type: single nucleotide variant.
Coding change: c.-282G>T on transcript NM_007078.2; 282 bases upstream of the start codon, G replaced by T.
Molecular consequence: intron variant (on NM_001368064.1).
Genome position (GRCh38, 1-based): chr10:86,668,410, G>T. VCF-style: chr10-86668410-G-T. GRCh37 (hg19) VCF-style: chr10-88428167-G-T.
Other names: c.-23-259G>T (NM_001368064.1, NM_001368063.1, NM_001368068.1).
Identifiers: ClinVar variation 671243 (VCV000671243.4), dbSNP rs11812601, ClinGen allele CA13197956.

ClinVar aggregate classification (germline): Benign. Review status: criteria provided, multiple submitters, no conflicts (2 of 4 stars). 2 submissions from 2 submitters: Benign (2). Last evaluated 2018-06-14.

Allele frequency attached by ClinVar (database versions not stated): TOPMed 0.30308; 1000 Genomes Project 30x 0.36524; 1000 Genomes Project 0.36442.
gnomAD v4.1: 131,666 of 522,536 alleles (25%); highest among the groups gnomAD compares: East Asian, 45%; 19,002 homozygotes.

Submissions (2):

GeneDx
Classification: Benign. Last evaluated: 2018-06-14. Review status: criteria provided, single submitter. Criteria: GeneDx Variant Classification (06012015). Collection method: clinical testing. Allele origin: germline. Affected: yes.
Comment: This variant is considered likely benign or benign based on one or more of the following criteria: it is a conservative change, it occurs at a poorly conserved position in the protein, it is predicted to be benign by multiple in silico algorithms, and/or has population frequency not consistent with disease.

Breakthrough Genomics
Classification: Benign. Review status: criteria provided, single submitter. Criteria: ACMG Guidelines, 2015. Collection method: not provided. Allele origin: germline. Inheritance: Autosomal dominant inheritance. Affected: yes.